The following is an entry in ClinVar:

ClinVar aggregate classification (germline): Uncertain significance (1 of 4 stars; one submission).

Allele frequency attached by ClinVar (database versions not stated): gnomAD 0.00001.
gnomAD v4.1: 1 of 1,613,868 alleles (0.000062%); highest among the groups gnomAD compares: African/African-American, 0.0013%; no homozygotes.

Submission:

Labcorp Genetics (formerly Invitae), Labcorp
Classification: Uncertain significance. Last evaluated: 2021-10-07. Review status: criteria provided, single submitter. Criteria: Invitae Variant Classification Sherloc (09022015). Collection method: clinical testing. Allele origin: germline.
Comment: This sequence change replaces tyrosine with histidine at codon 257 of the PIGV protein (p.Tyr257His). The tyrosine residue is moderately conserved and there is a moderate physicochemical difference between tyrosine and histidine. This variant is not present in population databases (ExAC no frequency). This variant has not been reported in the literature in individuals with PIGV-related conditions. Algorithms developed to predict the effect of missense changes on protein structure and function (SIFT, PolyPhen-2, Align-GVGD) all suggest that this variant is likely to be tolerated, but these predictions have not been confirmed by published functional studies and their clinical significance is uncertain. In summary, the available evidence is currently insufficient to determine the role of this variant in disease. Therefore, it has been classified as a Variant of Uncertain Significance.

NM_017837.4(PIGV):c.769T>C (p.Tyr257His)

Gene: PIGV (phosphatidylinositol glycan anchor biosynthesis class V; plus strand). Cytogenetic location: 1p36.11.
Variant type: single nucleotide variant.
Coding change: c.769T>C on transcript NM_017837.4 (MANE Select); coding-DNA position 769, T replaced by C.
Protein change: p.Tyr257His; replaces tyrosine 257 with histidine.
Molecular consequence: missense variant. On other transcripts: non-coding transcript variant (1), intron variant (3).
Genome position (GRCh38, 1-based): chr1:26,794,803, T>C. VCF-style: chr1-26794803-T-C. GRCh37 (hg19) VCF-style: chr1-27121294-T-C.
Other names: c.769T>C, p.Tyr257His (NM_001202554.2, NM_001374478.1, NM_001374480.1 and 2 more transcripts); c.388T>C, p.Tyr130His (NM_001374483.1); c.173-31T>C (NM_001374484.1, NM_001374485.1); c.79-2760T>C (NM_001374486.1); short protein forms Y130H, Y257H.
Identifiers: ClinVar variation 1401897 (VCV001401897.3), dbSNP rs1228126006, ClinGen allele CA339200582.